The following is an entry in ClinVar:

NM_001939.3(DRP2):c.958C>T (p.Arg320Ter)

Gene: DRP2 (dystrophin related protein 2; plus strand). Cytogenetic location: Xq22.1.
Variant type: single nucleotide variant.
Coding change: c.958C>T on transcript NM_001939.3 (MANE Select); coding-DNA position 958, C replaced by T.
Protein change: p.Arg320Ter; replaces arginine 320 with a stop codon.
Molecular consequence: nonsense.
Genome position (GRCh38, 1-based): chrX:101,242,454, C>T. VCF-style: chrX-101242454-C-T. GRCh37 (hg19) VCF-style: chrX-100497443-C-T.
Other names: c.724C>T, p.Arg242Ter (NM_001171184.2); short protein forms R320*, R242*.
Identifiers: ClinVar variation 2967325 (VCV002967325.3), dbSNP rs1234956618, ClinGen allele CA413919333.

ClinVar aggregate classification (germline): Pathogenic (1 of 4 stars; one submission).

Allele frequency attached by ClinVar (database versions not stated): gnomAD exomes below 0.00001.
gnomAD v4.1: 2 of 1,209,307 alleles (0.00017%); highest among the groups gnomAD compares: Admixed American, 0.0022%; no homozygotes.

Submission:

Labcorp Genetics (formerly Invitae), Labcorp
Classification: Pathogenic. Last evaluated: 2024-01-10. Review status: criteria provided, single submitter. Criteria: Invitae Variant Classification Sherloc (09022015). Collection method: clinical testing. Allele origin: germline.
Comment: This sequence change creates a premature translational stop signal (p.Arg320*) in the DRP2 gene. It is expected to result in an absent or disrupted protein product. Loss-of-function variants in DRP2 are known to be pathogenic (PMID: 22764250, 26227883). This variant is present in population databases (no rsID available, gnomAD 0.004%). This variant has not been reported in the literature in individuals affected with DRP2-related conditions. For these reasons, this variant has been classified as Pathogenic.

Literature cited by the submitters: PubMed 22764250; PubMed 26227883.